The following is an entry in ClinVar:

ClinVar aggregate classification (germline): Uncertain significance. Review status: criteria provided, multiple submitters, no conflicts (2 of 4 stars). 2 submissions from 2 submitters: Uncertain significance (2). Last evaluated 2023-01-25.

Conditions:
Episodic kinesigenic dyskinesia (EKD). Also called: Paroxysmal kinesigenic dyskinesia. Identifiers: Orphanet 98809, MedGen C1868682, MONDO:0044202.

Allele frequency attached by ClinVar (database versions not stated): gnomAD 0.00001; gnomAD exomes 0.00001; ExAC 0.00002.

Submissions (2):

Labcorp Genetics (formerly Invitae), Labcorp
Classification: Uncertain significance for Episodic kinesigenic dyskinesia. Last evaluated: 2023-01-25. Review status: criteria provided, single submitter. Criteria: Invitae Variant Classification Sherloc (09022015). Collection method: clinical testing. Allele origin: germline.
Comment: In summary, the available evidence is currently insufficient to determine the role of this variant in disease. Therefore, it has been classified as a Variant of Uncertain Significance. Advanced modeling of protein sequence and biophysical properties (such as structural, functional, and spatial information, amino acid conservation, physicochemical variation, residue mobility, and thermodynamic stability) performed at Invitae indicates that this missense variant is not expected to disrupt PRRT2 protein function. This variant has not been reported in the literature in individuals affected with PRRT2-related conditions. This variant is not present in population databases (gnomAD no frequency). This sequence change replaces alanine, which is neutral and non-polar, with glutamic acid, which is acidic and polar, at codon 2 of the PRRT2 protein (p.Ala2Glu).

Blueprint Genetics
Classification: Uncertain significance. Last evaluated: 2020-08-19. Review status: criteria provided, single submitter. Criteria: ACMG Guidelines, 2015. Collection method: clinical testing. Allele origin: germline.

NM_145239.3(PRRT2):c.5C>A (p.Ala2Glu)

Genes: MVP-DT (MVP divergent transcript; minus strand), PRRT2 (proline rich transmembrane protein 2; plus strand). Cytogenetic location: 16p11.2.
Variant type: single nucleotide variant.
Coding change: c.5C>A on transcript NM_145239.3 (MANE Select); coding-DNA position 5, C replaced by A.
Protein change: p.Ala2Glu; replaces alanine 2 with glutamic acid.
Molecular consequence: missense variant.
Genome position (GRCh38, 1-based): chr16:29,813,059, C>A. VCF-style: chr16-29813059-C-A. GRCh37 (hg19) VCF-style: chr16-29824380-C-A.
Other names: c.5C>A, p.Ala2Glu (NM_001256442.2, NM_001256443.2); short protein forms A2E.
Identifiers: ClinVar variation 2831859 (VCV002831859.4), dbSNP rs776704621, ClinGen allele CA7994459.
Genomic context (GRCh38, chr16:29,813,059, plus strand): 5'-CTGTCTCTGCTATTCCATCCTCCCCATAGGGGCTCTCTCCCCTCTCCCATCTCAAGATGG[C>A]AGCCAGCAGCTCTGAGATCTCTGAGATGAAGGGGGTTGAGGAGAGTCCCAAGGTTCCAGG-3'
Protein context (NP_660282.2, residues 1-12): M[Ala2Glu]ASSSEISEMK